The following is an entry in ClinVar:

NM_021620.4(PRDM13):c.639_655dup (p.Gln219fs)

Gene: PRDM13 (PR/SET domain 13; plus strand). Cytogenetic location: 6q16.2.
Variant type: Duplication.
Coding change: c.639_655dup on transcript NM_021620.4 (MANE Select); coding-DNA positions 639 to 655, 17 bases duplicated (GGGCCCGCCACCAGTTC).
Protein change: p.Gln219fs; shifts the reading frame from glutamine 219.
Molecular consequence: frameshift variant.
Genome position (GRCh38, 1-based): chr6:99,613,274-99,613,290, GGGCCCGCCACCAGTTC duplicated. VCF-style (leftmost placement, unchanged base first): chr6-99613273-T-TGGGCCCGCCACCAGTTC. GRCh37 (hg19) VCF-style: chr6-100061149-T-TGGGCCCGCCACCAGTTC.
Other names: short protein forms Q219fs.
Identifiers: ClinVar variation 3218353 (VCV003218353.2), dbSNP rs766358855, ClinGen allele CA3936250.

ClinVar aggregate classification (germline): Conflicting classifications of pathogenicity. Review status: criteria provided, conflicting classifications (1 of 4 stars). 2 submissions from 2 submitters: Pathogenic (1); Uncertain significance (1). Last evaluated 2025-08-23.

Conditions:
Inborn genetic diseases. Identifiers: MedGen C0950123, MeSH D030342.

Allele frequency attached by ClinVar (database versions not stated): ExAC 0.00002; gnomAD exomes below 0.00001.

Submissions (2):

Labcorp Genetics (formerly Invitae), Labcorp
Classification: Uncertain significance. Last evaluated: 2025-08-23. Review status: criteria provided, single submitter. Criteria: Invitae Variant Classification Sherloc (09022015). Collection method: clinical testing. Allele origin: germline.
Comment: This sequence change creates a premature translational stop signal (p.Gln219Argfs*49) in the PRDM13 gene. While this is not anticipated to result in nonsense mediated decay, it is expected to disrupt the last 489 amino acid(s) of the PRDM13 protein. This variant is present in population databases (rs766358855, gnomAD 0.01%). This variant has not been reported in the literature in individuals affected with PRDM13-related conditions. ClinVar contains an entry for this variant (Variation ID: 3218353). Experimental studies and prediction algorithms are not available or were not evaluated, and the functional significance of this variant is currently unknown. In summary, the available evidence is currently insufficient to determine the role of this variant in disease. Therefore, it has been classified as a Variant of Uncertain Significance.

Ambry Genetics
Classification: Pathogenic for Inborn genetic diseases. Last evaluated: 2024-01-22. Review status: criteria provided, single submitter. Criteria: Ambry Variant Classification Scheme 2023. Collection method: clinical testing. Allele origin: germline.
Comment: The c.639_655dupGGGCCCGCCACCAGTTC (p.Q219Rfs*49) alteration, located in exon 4 (coding exon 4) of the PRDM13 gene, consists of a duplication of GGGCCCGCCACCAGTTC at position 639, causing a translational frameshift with a predicted alternate stop codon after 49 amino acids. This alteration occurs at the 3' terminus of the PRDM13 gene, is not expected to trigger nonsense-mediated mRNA decay, and only impacts the last 69% of the protein. However, premature stop codons are typically deleterious in nature and a significant portion of the protein is affected (Ambry internal data). Based on data from gnomAD, the GGGCCCGCCACCAGTTCGGGCCCGCCACCAGTTC allele has an overall frequency of 0.002% (4/204564) total alleles studied. The highest observed frequency was 0.013% (4/31794) of Latino alleles. Based on the available evidence, this alteration is classified as pathogenic.